The following is an entry in ClinVar:

NM_020436.5(SALL4):c.1577C>T (p.Pro526Leu)

Gene: SALL4 (spalt like transcription factor 4; minus strand). Cytogenetic location: 20q13.2.
Variant type: single nucleotide variant.
Coding change: c.1577C>T on transcript NM_020436.5 (MANE Select); coding-DNA position 1577, C replaced by T.
Protein change: p.Pro526Leu; replaces proline 526 with leucine.
Molecular consequence: missense variant. On other transcripts: intron variant (1).
Genome position (GRCh38, 1-based): chr20:51,790,906, G>A on the plus strand (C>T on the coding strand, the complement: SALL4 is on the minus strand). VCF-style: chr20-51790906-G-A. GRCh37 (hg19) VCF-style: chr20-50407445-G-A.
Other names: c.1150+427C>T (NM_001318031.2); short protein forms P526L.
Identifiers: ClinVar variation 3669731 (VCV003669731.2).
Genomic context (GRCh38, chr20:51,790,906, plus strand): 5'-GACCCTGGCTCAGGGGTCCCACTCCCTTGGAAGCCACCAGCCCTTGGGGAATTATAGTTT[G>A]GTCCCACCCCAGGGAGTGTGGGTCCACCCTCACTTTCTGGAGAAGGCCCAGGCTGCAGGT-3'
Protein context (NP_065169.1, residues 516-536): EGGPTLPGVG[Pro526Leu]NYNSPRAGGF

ClinVar aggregate classification (germline): Uncertain significance (1 of 4 stars; one submission).

Conditions:
Duane-radial ray syndrome (DRRS). Also called: ACRORENOOCULAR SYNDROME; DR SYNDROME; DUANE ANOMALY WITH RADIAL RAY ABNORMALITIES AND DEAFNESS; Okihiro Syndrome; Duane-Radial Ray Syndrome (DRRS) / Okihiro Syndrome; Duane-Radial Ray Syndrome/Okihiro Syndrome. Identifiers: Orphanet 93293, Orphanet 959, MedGen C1623209, MONDO:0011812, OMIM 607323. Disease mechanism: gain of function.

gnomAD v4.1: 153 of 1,613,972 alleles (0.0095%); highest among the groups gnomAD compares: Non-Finnish European, 0.012%; no homozygotes.

Submission:

Labcorp Genetics (formerly Invitae), Labcorp
Classification: Uncertain significance for Duane-radial ray syndrome. Last evaluated: 2024-12-19. Review status: criteria provided, single submitter. Criteria: Invitae Variant Classification Sherloc (09022015). Collection method: clinical testing. Allele origin: germline.
Comment: This sequence change replaces proline, which is neutral and non-polar, with leucine, which is neutral and non-polar, at codon 526 of the SALL4 protein (p.Pro526Leu). This variant is present in population databases (rs367732231, gnomAD 0.009%). This variant has not been reported in the literature in individuals affected with SALL4-related conditions. An algorithm developed to predict the effect of missense changes on protein structure and function outputs the following: PolyPhen-2: "Benign". The leucine amino acid residue is found in multiple mammalian species, which suggests that this missense change does not adversely affect protein function. In summary, the available evidence is currently insufficient to determine the role of this variant in disease. Therefore, it has been classified as a Variant of Uncertain Significance.